The following is an entry in ClinVar:

ClinVar aggregate classification (germline): Uncertain significance (1 of 4 stars; one submission).

Allele frequency attached by ClinVar (database versions not stated): ExAC 0.00002; gnomAD exomes 0.00002 and 0.00003; gnomAD 0.00003; TOPMed 0.00004.
gnomAD v4.1: 43 of 1,613,542 alleles (0.0027%); highest among the groups gnomAD compares: African/African-American, 0.004%; no homozygotes.

Submission:

Labcorp Genetics (formerly Invitae), Labcorp
Classification: Uncertain significance. Last evaluated: 2022-05-21. Review status: criteria provided, single submitter. Criteria: Invitae Variant Classification Sherloc (09022015). Collection method: clinical testing. Allele origin: germline.
Comment: This sequence change replaces threonine, which is neutral and polar, with methionine, which is neutral and non-polar, at codon 2280 of the NBAS protein (p.Thr2280Met). This variant is present in population databases (rs762988102, gnomAD 0.01%). This variant has not been reported in the literature in individuals affected with NBAS-related conditions. Algorithms developed to predict the effect of missense changes on protein structure and function are either unavailable or do not agree on the potential impact of this missense change (SIFT: "Deleterious"; PolyPhen-2: "Benign"; Align-GVGD: "Class C65"). Algorithms developed to predict the effect of sequence changes on RNA splicing suggest that this variant may disrupt the consensus splice site. In summary, the available evidence is currently insufficient to determine the role of this variant in disease. Therefore, it has been classified as a Variant of Uncertain Significance.

NM_015909.4(NBAS):c.6839C>T (p.Thr2280Met)

Gene: NBAS (NBAS subunit of NRZ tethering complex; minus strand). Cytogenetic location: 2p24.3.
Variant type: single nucleotide variant.
Coding change: c.6839C>T on transcript NM_015909.4 (MANE Select); coding-DNA position 6839, C replaced by T.
Protein change: p.Thr2280Met; replaces threonine 2280 with methionine.
Molecular consequence: missense variant. On other transcripts: non-coding transcript variant (1).
Genome position (GRCh38, 1-based): chr2:15,178,989, G>A on the plus strand (C>T on the coding strand, the complement: NBAS is on the minus strand). VCF-style: chr2-15178989-G-A. GRCh37 (hg19) VCF-style: chr2-15319113-G-A.
Other names: short protein forms T2280M.
Identifiers: ClinVar variation 1427769 (VCV001427769.3), dbSNP rs762988102, ClinGen allele CA1534870.